The following is an entry in ClinVar:

ClinVar aggregate classification (germline): Uncertain significance (1 of 4 stars; one submission).

Conditions:
Hereditary cancer-predisposing syndrome. Also called: Hereditary neoplastic syndrome; Neoplastic Syndromes, Hereditary; Tumor predisposition; Hereditary Cancer Syndrome. Identifiers: Orphanet 140162, MedGen C0027672, MeSH D009386, MONDO:0015356.

Submission:

Ambry Genetics
Classification: Uncertain significance for Hereditary cancer-predisposing syndrome. Last evaluated: 2025-07-18. Review status: criteria provided, single submitter. Criteria: Ambry Variant Classification Scheme 2023. Collection method: clinical testing. Allele origin: germline.
Comment: The p.M587L variant (also known as c.1759A>T), located in coding exon 14 of the POT1 gene, results from an A to T substitution at nucleotide position 1759. The methionine at codon 587 is replaced by leucine, an amino acid with highly similar properties. This amino acid position is conserved. In addition, this alteration is predicted to be tolerated by in silico analysis. Based on the available evidence, the clinical significance of this variant remains unclear.

NM_015450.3(POT1):c.1759A>T (p.Met587Leu)

Gene: POT1 (protection of telomeres 1; minus strand). Cytogenetic location: 7q31.33.
Variant type: single nucleotide variant.
Coding change: c.1759A>T on transcript NM_015450.3 (MANE Select); coding-DNA position 1759, A replaced by T.
Protein change: p.Met587Leu; replaces methionine 587 with leucine.
Molecular consequence: missense variant. On other transcripts: non-coding transcript variant (3).
Genome position (GRCh38, 1-based): chr7:124,825,285, T>A on the plus strand (A>T on the coding strand, the complement: POT1 is on the minus strand). VCF-style: chr7-124825285-T-A. GRCh37 (hg19) VCF-style: chr7-124465339-T-A.
Other names: c.1366A>T, p.Met456Leu (NM_001042594.2); short protein forms M456L, M587L.
Identifiers: ClinVar variation 4141935 (VCV004141935.1).